The following is an entry in ClinVar:

NM_007103.4(NDUFV1):c.566C>G (p.Ser189Cys)

Gene: NDUFV1 (NADH:ubiquinone oxidoreductase core subunit V1; plus strand). Cytogenetic location: 11q13.2.
Variant type: single nucleotide variant.
Coding change: c.566C>G on transcript NM_007103.4 (MANE Select); coding-DNA position 566, C replaced by G.
Protein change: p.Ser189Cys; replaces serine 189 with cysteine.
Molecular consequence: missense variant.
Genome position (GRCh38, 1-based): chr11:67,610,436, C>G. VCF-style: chr11-67610436-C-G. GRCh37 (hg19) VCF-style: chr11-67377907-C-G.
Other names: c.539C>G, p.Ser180Cys (NM_001166102.2); short protein forms S180C, S189C.
Identifiers: ClinVar variation 3403925 (VCV003403925.2).
Genomic context (GRCh38, chr11:67,610,436, plus strand): 5'-TGCAGGTGGCCATCCGAGAGGCCTATGAGGCAGGTCTGATTGGCAAGAATGCTTGTGGCT[C>G]TGGCTATGATTTTGACGTGTTTGTGGTGCGCGGGGCTGGGGCCTACATCTGTGGAGAGGA-3'
Protein context (NP_009034.2, residues 179-199): AGLIGKNACG[Ser189Cys]GYDFDVFVVR

ClinVar aggregate classification (germline): Uncertain significance. Review status: criteria provided, multiple submitters, no conflicts (2 of 4 stars). 2 submissions from 2 submitters: Uncertain significance (2). Last evaluated 2025-05-05.

Conditions:
Inborn genetic diseases. Identifiers: MedGen C0950123, MeSH D030342.

Submissions (2):

GeneDx
Classification: Uncertain significance. Last evaluated: 2025-05-05. Review status: criteria provided, single submitter. Criteria: GeneDx Variant Classification Process June 2021. Collection method: clinical testing. Allele origin: germline. Affected: yes.
Comment: Has not been previously published as pathogenic or benign to our knowledge; In silico analysis supports that this missense variant has a deleterious effect on protein structure/function; Not observed at significant frequency in large population cohorts (gnomAD); This variant is associated with the following publications: (PMID: 36163075)

Ambry Genetics
Classification: Uncertain significance for Inborn genetic diseases. Last evaluated: 2024-10-04. Review status: criteria provided, single submitter. Criteria: Ambry Variant Classification Scheme 2023. Collection method: clinical testing. Allele origin: germline.